The following is an entry in ClinVar:

ClinVar aggregate classification (germline): Pathogenic (1 of 4 stars; one submission).

Conditions:
Autosomal recessive polycystic kidney disease (ARPKD). Also called: AR polycystic kidney disease. Identifiers: Orphanet 731, Orphanet 8378, MedGen C0085548, MeSH D017044, MONDO:0009889.

Submission:

Labcorp Genetics (formerly Invitae), Labcorp
Classification: Pathogenic for Autosomal recessive polycystic kidney disease. Last evaluated: 2021-10-09. Review status: criteria provided, single submitter. Criteria: Invitae Variant Classification Sherloc (09022015). Collection method: clinical testing. Allele origin: germline.
Comment: This sequence change creates a premature translational stop signal (p.Arg780Thrfs*18) in the PKHD1 gene. It is expected to result in an absent or disrupted protein product. Loss-of-function variants in PKHD1 are known to be pathogenic (PMID: 19940839). This variant is not present in population databases (ExAC no frequency). This premature translational stop signal has been observed in individual(s) with autosomal recessive polycystic kidney disease (PMID: 27225849). For these reasons, this variant has been classified as Pathogenic.

Literature cited by the submitters: PubMed 19940839; PubMed 27225849.

NM_138694.4(PKHD1):c.2339_2340del (p.Arg780fs)

Gene: PKHD1 (PKHD1 ciliary IPT domain containing fibrocystin/polyductin; minus strand). Cytogenetic location: 6p12.2.
Variant type: Microsatellite.
Coding change: c.2339_2340del on transcript NM_138694.4 (MANE Select); coding-DNA positions 2339 to 2340, 2 bases deleted (GA; older notation c.2339_2340delGA).
Protein change: p.Arg780fs; shifts the reading frame from arginine 780.
Molecular consequence: frameshift variant.
Genome position (GRCh38, 1-based): chr6:52,048,559-52,048,560, TC deleted on the plus strand (GA on the coding strand, the reverse complement: PKHD1 is on the minus strand); deleting any 2 consecutive bases within chr6:52,048,559-52,048,563 gives the same sequence; the c. name uses the placement nearest the transcript's 3' end. VCF-style (leftmost placement, unchanged base first): chr6-52048558-GTC-G. GRCh37 (hg19) VCF-style: chr6-51913356-GTC-G.
Other names: c.2339_2340del, p.Arg780fs (NM_170724.3); short protein forms R780fs.
Identifiers: ClinVar variation 1458400 (VCV001458400.6), dbSNP rs2128192920, ClinGen allele CA2580617261.